The following is an entry in ClinVar:

ClinVar aggregate classification (germline): Likely benign. Review status: criteria provided, multiple submitters, no conflicts (2 of 4 stars). 2 submissions from 2 submitters: Likely benign (2). Last evaluated 2026-01-15.

Conditions:
Left ventricular noncompaction 8 (LVNC8). Identifiers: Orphanet 154, Orphanet 54260, MedGen C3809288, MONDO:0014152, OMIM 615373.

Allele frequency attached by ClinVar (database versions not stated): TOPMed below 0.00001; ExAC 0.00001; gnomAD exomes 0.00001.
gnomAD v4.1: 7 of 1,613,782 alleles (0.00043%); highest among the groups gnomAD compares: Non-Finnish European, 0.00059%; no homozygotes.

Submissions (2):

Labcorp Genetics (formerly Invitae), Labcorp
Classification: Likely benign for Left ventricular noncompaction 8. Last evaluated: 2026-01-15. Review status: criteria provided, single submitter. Criteria: Invitae Variant Classification Sherloc (09022015). Collection method: clinical testing. Allele origin: germline.

Laboratory for Molecular Medicine, Mass General Brigham Personalized Medicine
Classification: Likely benign. Last evaluated: 2017-06-28. Review status: criteria provided, single submitter. Criteria: LMM Criteria. Collection method: clinical testing. Allele origin: germline. Observed: 1 variant allele.
Comment: p.Lys702Lys in exon 9 of PRDM16: This variant is not expected to have clinical s ignificance because it does not alter an amino acid residue and it is not locate d within the splice consensus sequence. It has been identified in 2/245798 chro mosomes by the Genome Aggregation Database (gnomAD .org; dbSNP rs776564044).

NM_022114.4(PRDM16):c.2106G>A (p.Lys702=)

Gene: PRDM16 (PR/SET domain 16; plus strand). Cytogenetic location: 1p36.32.
Variant type: single nucleotide variant.
Coding change: c.2106G>A on transcript NM_022114.4 (MANE Select); coding-DNA position 2106, G replaced by A.
Protein change: p.Lys702=; no amino-acid change (lysine 702 retained).
Molecular consequence: synonymous variant.
Genome position (GRCh38, 1-based): chr1:3,412,303, G>A. VCF-style: chr1-3412303-G-A. GRCh37 (hg19) VCF-style: chr1-3328867-G-A.
Other names: c.2106G>A, p.Lys702= (NM_199454.3).
Identifiers: ClinVar variation 517461 (VCV000517461.15), dbSNP rs776564044, ClinGen allele CA544383.
Genomic context (GRCh38, chr1:3,412,303, plus strand): 5'-GCTGACTGCAACGGGCGCCGCCGGGGACTCCATCAAGGCCATCGCATCCATTGCCGAGAA[G>A]TACTTTGGCCCCGGCTTCATGGGGATGCAGGAGAAGAAGCTGGGCTCGCTCCCCTACCAC-3'
Protein context (NP_071397.3, residues 692-712): SIKAIASIAE[Lys702=]YFGPGFMGMQ